The following is an entry in ClinVar:

NM_000844.4(GRM7):c.1034-11837G>C

Gene: GRM7 (glutamate metabotropic receptor 7; plus strand). Cytogenetic location: 3p26.1.
Variant type: single nucleotide variant.
Coding change: c.1034-11837G>C on transcript NM_000844.4 (MANE Select); 11837 bases into the intron before coding-DNA position 1034, G replaced by C.
Molecular consequence: intron variant.
Genome position (GRCh38, 1-based): chr3:7,403,186, G>C. VCF-style: chr3-7403186-G-C. GRCh37 (hg19) VCF-style: chr3-7444873-G-C.
Other names: c.1034-11837G>C (NM_181874.3).
Identifiers: ClinVar variation 2498918 (VCV002498918.28), dbSNP rs138178952, ClinGen allele CA2234772.

ClinVar aggregate classification (germline): Likely benign (1 of 4 stars; one submission).

Allele frequency attached by ClinVar (database versions not stated): ExAC 0.00050; 1000 Genomes Project 0.00240; 1000 Genomes Project 30x 0.00250.
gnomAD v4.1: 1,549 of 444,906 alleles (0.35%); highest among the groups gnomAD compares: Non-Finnish European, 0.55%; 8 homozygotes.

Submission:

CeGaT Center for Human Genetics Tuebingen
Classification: Likely benign. Last evaluated: 2023-07-01. Review status: criteria provided, single submitter. Criteria: CeGaT Center For Human Genetics Tuebingen Variant Classification Criteria Version 2. Collection method: clinical testing. Allele origin: germline. Affected: yes. Observed: 3 variant alleles.
Comment: GRM7: BS2